The following is an entry in ClinVar:

ClinVar aggregate classification (germline): Uncertain significance (1 of 4 stars; one submission).

Conditions:
Nephronophthisis 14 (NPHP14). Identifiers: Orphanet 2318, MedGen C3539071, MONDO:0013916, OMIM 614844.

Allele frequency attached by ClinVar (database versions not stated): ExAC 0.00001.
gnomAD v4.1: 29 of 1,612,864 alleles (0.0018%); highest among the groups gnomAD compares: Non-Finnish European, 0.0023%; no homozygotes.

Submission:

Labcorp Genetics (formerly Invitae), Labcorp
Classification: Uncertain significance for Nephronophthisis 14. Last evaluated: 2023-12-11. Review status: criteria provided, single submitter. Criteria: Invitae Variant Classification Sherloc (09022015). Collection method: clinical testing. Allele origin: germline.
Comment: This sequence change replaces arginine, which is basic and polar, with cysteine, which is neutral and slightly polar, at codon 967 of the ZNF423 protein (p.Arg967Cys). This variant is present in population databases (rs773112623, gnomAD 0.002%). This variant has not been reported in the literature in individuals affected with ZNF423-related conditions. ClinVar contains an entry for this variant (Variation ID: 2068696). Advanced modeling of protein sequence and biophysical properties (such as structural, functional, and spatial information, amino acid conservation, physicochemical variation, residue mobility, and thermodynamic stability) performed at Invitae indicates that this missense variant is not expected to disrupt ZNF423 protein function with a negative predictive value of 80%. In summary, the available evidence is currently insufficient to determine the role of this variant in disease. Therefore, it has been classified as a Variant of Uncertain Significance.

NM_001379286.1(ZNF423):c.2923C>T (p.Arg975Cys)

Gene: ZNF423 (zinc finger protein 423; minus strand). Cytogenetic location: 16q12.1.
Variant type: single nucleotide variant.
Coding change: c.2923C>T on transcript NM_001379286.1 (MANE Select); coding-DNA position 2923, C replaced by T.
Protein change: p.Arg975Cys; replaces arginine 975 with cysteine.
Molecular consequence: missense variant.
Genome position (GRCh38, 1-based): chr16:49,636,253, G>A on the plus strand (C>T on the coding strand, the complement: ZNF423 is on the minus strand). VCF-style: chr16-49636253-G-A. GRCh37 (hg19) VCF-style: chr16-49670164-G-A.
Other names: c.2719C>T, p.Arg907Cys (NM_001271620.2); c.2548C>T, p.Arg850Cys (NM_001330533.2); c.2899C>T, p.Arg967Cys (NM_015069.5); short protein forms R907C, R975C, R967C, R850C.
Identifiers: ClinVar variation 2068696 (VCV002068696.4), dbSNP rs773112623, ClinGen allele CA8046409.